The following is an entry in ClinVar:

NM_016180.5(SLC45A2):c.1325C>T (p.Pro442Leu)

Gene: SLC45A2 (solute carrier family 45 member 2; minus strand). Cytogenetic location: 5p13.2.
Variant type: single nucleotide variant.
Coding change: c.1325C>T on transcript NM_016180.5 (MANE Select); coding-DNA position 1325, C replaced by T.
Protein change: p.Pro442Leu; replaces proline 442 with leucine.
Molecular consequence: missense variant.
Genome position (GRCh38, 1-based): chr5:33,947,206, G>A on the plus strand (C>T on the coding strand, the complement: SLC45A2 is on the minus strand). VCF-style: chr5-33947206-G-A. GRCh37 (hg19) VCF-style: chr5-33947311-G-A.
Other names: c.1325C>T, p.Pro442Leu (NM_001012509.4); short protein forms P442L.
Identifiers: ClinVar variation 212205 (VCV000212205.11), dbSNP rs769448704, ClinGen allele CA209975.

ClinVar aggregate classification (germline): Conflicting classifications of pathogenicity. Review status: criteria provided, conflicting classifications (1 of 4 stars). 3 submissions from 3 submitters: Likely pathogenic (1); Uncertain significance (2). Last evaluated 2024-01-08.

Conditions:
SKIN/HAIR/EYE PIGMENTATION 5, BLACK/NONBLACK HAIR (SHEP5). Also called: SKIN/HAIR/EYE PIGMENTATION 5, DARK/FAIR SKIN; SKIN/HAIR/EYE PIGMENTATION 5, DARK/LIGHT EYES; SKIN/HAIR/EYE PIGMENTATION, VARIATION IN, 5. Identifiers: MedGen C2673584, OMIM 227240.
Oculocutaneous albinism type 4 (OCA4). Also called: Albinism, oculocutaneous, type IV. Identifiers: Orphanet 79435, MedGen C1847836, MONDO:0011683, OMIM 606574.

Allele frequency attached by ClinVar (database versions not stated): TOPMed below 0.00001; gnomAD 0.00003; ExAC 0.00004; gnomAD exomes 0.00002.
gnomAD v4.1: 30 of 1,614,094 alleles (0.0019%); highest among the groups gnomAD compares: Non-Finnish European, 0.0015%; no homozygotes.

Submissions (3):

Labcorp Genetics (formerly Invitae), Labcorp
Classification: Likely pathogenic. Last evaluated: 2024-01-08. Review status: criteria provided, single submitter. Criteria: Invitae Variant Classification Sherloc (09022015). Collection method: clinical testing. Allele origin: germline.
Comment: This sequence change replaces proline, which is neutral and non-polar, with leucine, which is neutral and non-polar, at codon 442 of the SLC45A2 protein (p.Pro442Leu). This variant is present in population databases (rs769448704, gnomAD 0.03%). This missense change has been observed in individual(s) with clinical features of ocular albinism (PMID: 29345414; Invitae). In at least one individual the data is consistent with being in trans (on the opposite chromosome) from a pathogenic variant. ClinVar contains an entry for this variant (Variation ID: 212205). Advanced modeling of protein sequence and biophysical properties (such as structural, functional, and spatial information, amino acid conservation, physicochemical variation, residue mobility, and thermodynamic stability) performed at Invitae indicates that this missense variant is expected to disrupt SLC45A2 protein function with a positive predictive value of 80%. In summary, the currently available evidence indicates that the variant is pathogenic, but additional data are needed to prove that conclusively. Therefore, this variant has been classified as Likely Pathogenic.

Fulgent Genetics
Classification: Uncertain significance for SKIN/HAIR/EYE PIGMENTATION 5, BLACK/NONBLACK HAIR; Oculocutaneous albinism type 4. Last evaluated: 2018-10-31. Review status: criteria provided, single submitter. Criteria: ACMG Guidelines, 2015. Collection method: clinical testing. Allele origin: unknown.

Genetic Services Laboratory, University of Chicago
Classification: Uncertain significance. Last evaluated: 2015-06-23. Review status: criteria provided, single submitter. Criteria: ACMG Guidelines, 2015. Collection method: clinical testing. Allele origin: germline.

Literature cited by the submitters: PubMed 29345414 (cited by Labcorp Genetics (formerly Invitae), Labcorp).